The following is an entry in ClinVar:

ClinVar aggregate classification (germline): Pathogenic (1 of 4 stars; one submission).

Conditions:
Nemaline myopathy 2 (NEM2). Also called: Nemaline myopathy 2, autosomal recessive. Identifiers: MedGen C1850569, MONDO:0009725, OMIM 256030.

Submission:

Labcorp Genetics (formerly Invitae), Labcorp
Classification: Pathogenic for Nemaline myopathy 2. Last evaluated: 2023-07-17. Review status: criteria provided, single submitter. Criteria: Invitae Variant Classification Sherloc (09022015). Collection method: clinical testing. Allele origin: germline.
Comment: For these reasons, this variant has been classified as Pathogenic. Algorithms developed to predict the effect of sequence changes on RNA splicing suggest that this variant may disrupt the consensus splice site. This variant has not been reported in the literature in individuals affected with NEB-related conditions. This variant is not present in population databases (gnomAD no frequency). This sequence change creates a premature translational stop signal (p.Glu8131Lysfs*49) in the NEB gene. It is expected to result in an absent or disrupted protein product. Loss-of-function variants in NEB are known to be pathogenic (PMID: 25205138).

Literature cited by the submitters: PubMed 25205138.

NM_001164508.2(NEB):c.24286del (p.Glu8096fs)

Genes: NEB (nebulin; minus strand), RIF1 (replication timing regulatory factor 1; plus strand). Cytogenetic location: 2q23.3.
Variant type: Deletion.
Coding change: c.24286del on transcript NM_001164508.2 (MANE Select); coding-DNA position 24286, one base deleted (G; older notation c.24286delG).
Protein change: p.Glu8096fs; shifts the reading frame from glutamic acid 8096.
Molecular consequence: frameshift variant. On other transcripts: intron variant (1).
Genome position (GRCh38, 1-based): chr2:151,497,640, C deleted on the plus strand (G on the coding strand, the reverse complement: NEB is on the minus strand). VCF-style (leftmost placement, unchanged base first): chr2-151497639-TC-T. GRCh37 (hg19) VCF-style: chr2-152354153-TC-T.
Other names: c.24286del, p.Glu8096fs (NM_001164507.2); c.24391del, p.Glu8131fs (NM_001271208.2); c.18826-1272del (NM_004543.5); short protein forms E8096fs, E8131fs.
Identifiers: ClinVar variation 2744399 (VCV002744399.3), dbSNP rs2551853532, ClinGen allele CA2697551055.